The following is an entry in ClinVar:

NM_012079.6(DGAT1):c.200+4G>A

Gene: DGAT1 (diacylglycerol O-acyltransferase 1; minus strand). Cytogenetic location: 8q24.3.
Variant type: single nucleotide variant.
Coding change: c.200+4G>A on transcript NM_012079.6 (MANE Select); 4 bases into the intron after coding-DNA position 200, G replaced by A.
Molecular consequence: intron variant.
Genome position (GRCh38, 1-based): chr8:144,326,433, C>T on the plus strand (G>A on the coding strand, the complement: DGAT1 is on the minus strand). VCF-style: chr8-144326433-C-T. GRCh37 (hg19) VCF-style: chr8-145550096-C-T.
Identifiers: ClinVar variation 1024703 (VCV001024703.5), dbSNP rs1817593953, ClinGen allele CA1120258826.

ClinVar aggregate classification (germline): Uncertain significance (1 of 4 stars; one submission).

Allele frequency attached by ClinVar (database versions not stated): gnomAD 0.00001; gnomAD exomes 0.00001.
gnomAD v4.1: 11 of 1,385,602 alleles (0.00079%); highest among the groups gnomAD compares: Middle Eastern, 0.026%; no homozygotes.

Submission:

Labcorp Genetics (formerly Invitae), Labcorp
Classification: Uncertain significance. Last evaluated: 2020-10-07. Review status: criteria provided, single submitter. Criteria: Invitae Variant Classification Sherloc (09022015). Collection method: clinical testing. Allele origin: germline.
Comment: This sequence change falls in intron 1 of the DGAT1 gene. It does not directly change the encoded amino acid sequence of the DGAT1 protein, but it affects a nucleotide within the consensus splice site of the intron. The frequency data for this variant in the population databases is considered unreliable, as metrics indicate insufficient coverage at this position in the ExAC database. This variant has not been reported in the literature in individuals with DGAT1-related conditions. Nucleotide substitutions within the consensus splice site are a relatively common cause of aberrant splicing (PMID: 17576681, 9536098). Algorithms developed to predict the effect of sequence changes on RNA splicing suggest that this variant may create or strengthen a splice site, but this prediction has not been confirmed by published transcriptional studies. In summary, the available evidence is currently insufficient to determine the role of this variant in disease. Therefore, it has been classified as a Variant of Uncertain Significance.

Literature cited by the submitters: PubMed 17576681; PubMed 9536098.